The following is an entry in ClinVar:

ClinVar aggregate classification (germline): Likely benign. Review status: criteria provided, single submitter (1 of 4 stars). 2 submissions from 2 submitters: Likely benign (1). 1 of the submissions does not count toward it. Last evaluated 2024-09-24.

Allele frequency attached by ClinVar (database versions not stated): ExAC 0.00012; 1000 Genomes Project 30x 0.00016; gnomAD 0.00016 and 0.00017; gnomAD exomes 0.00017; 1000 Genomes Project 0.00020; TOPMed 0.00024.
gnomAD v4.1: 85 of 1,614,002 alleles (0.0053%); highest among the groups gnomAD compares: East Asian, 0.11%; 2 homozygotes.

Submissions (2):

Blueprint Genetics
Classification: Likely benign. Last evaluated: 2024-09-24. Review status: criteria provided, single submitter. Criteria: ACMG Guidelines, 2015. Collection method: clinical testing. Allele origin: germline.

ITMI
No classification provided. Condition: AllHighlyPenetrant. Last evaluated: 2013-09-19. Review status: no classification provided. Collection method: reference population. Allele origin: germline. Not counted in ClinVar's aggregate classification.
Comment: Please see associated publication for description of ethnicities

Literature cited by the submitters: PubMed 24728327 (cited by ITMI).

NM_001386298.1(CIC):c.5645C>A (p.Thr1882Lys)

Gene: CIC (capicua transcriptional repressor; plus strand). Cytogenetic location: 19q13.2.
Variant type: single nucleotide variant.
Coding change: c.5645C>A on transcript NM_001386298.1 (MANE Select); coding-DNA position 5645, C replaced by A.
Protein change: p.Thr1882Lys; replaces threonine 1882 with lysine.
Molecular consequence: missense variant.
Genome position (GRCh38, 1-based): chr19:42,292,117, C>A. VCF-style: chr19-42292117-C-A. GRCh37 (hg19) VCF-style: chr19-42796269-C-A.
Other names: c.5645C>A, p.Thr1882Lys (NM_001304815.2, NM_001379480.1, NM_001379482.1); c.2918C>A, p.Thr973Lys (NM_001379484.1, NM_001379485.1, NM_015125.5); short protein forms T973K, T1882K.
Identifiers: ClinVar variation 133905 (VCV000133905.2), dbSNP rs543847978, ClinGen allele CA158128.
Genomic context (GRCh38, chr19:42,292,117, plus strand): 5'-CCCTGGCCTATGGGTGCCCTTCTCCACAGATCATCCAGCTGACCCCGGTGCCTGTGAGCA[C>A]ACCCAGCGGCCTGGTGCCGCCCCTGAGCCCAGCCACACTCCCTGGACCCACCTCTCAGCC-3'
Protein context (NP_001373227.1, residues 1872-1892): IIQLTPVPVS[Thr1882Lys]PSGLVPPLSP